The following is an entry in ClinVar:

NM_014855.3(AP5Z1):c.838A>G (p.Thr280Ala)

Gene: AP5Z1 (adaptor related protein complex 5 subunit zeta 1; plus strand). Cytogenetic location: 7p22.1.
Variant type: single nucleotide variant.
Coding change: c.838A>G on transcript NM_014855.3 (MANE Select); coding-DNA position 838, A replaced by G.
Protein change: p.Thr280Ala; replaces threonine 280 with alanine.
Molecular consequence: missense variant. On other transcripts: non-coding transcript variant (1).
Genome position (GRCh38, 1-based): chr7:4,784,955, A>G. VCF-style: chr7-4784955-A-G. GRCh37 (hg19) VCF-style: chr7-4824586-A-G.
Other names: c.838A>G, p.Thr280Ala (LRG_1247t1); c.370A>G, p.Thr124Ala (NM_001364858.1); short protein forms T124A, T280A.
Identifiers: ClinVar variation 652827 (VCV000652827.7), dbSNP rs554060393, ClinGen allele CA4137417.

ClinVar aggregate classification (germline): Conflicting classifications of pathogenicity. Review status: criteria provided, conflicting classifications (1 of 4 stars). 2 submissions from 2 submitters: Uncertain significance (1); Likely benign (1). Last evaluated 2024-12-02.

Conditions:
Hereditary spastic paraplegia 48. Also called: Spastic paraplegia 48; SPASTIC PARAPLEGIA 48, AUTOSOMAL RECESSIVE. Identifiers: Orphanet 306511, MedGen C3150901, MONDO:0013342, OMIM 613647.
Inborn genetic diseases. Identifiers: MedGen C0950123, MeSH D030342.

Allele frequency attached by ClinVar (database versions not stated): TOPMed 0.00010.
gnomAD v4.1: 143 of 1,611,652 alleles (0.0089%); highest among the groups gnomAD compares: Admixed American, 0.11%; no homozygotes.

Submissions (2):

Labcorp Genetics (formerly Invitae), Labcorp
Classification: Uncertain significance for Hereditary spastic paraplegia 48. Last evaluated: 2024-12-02. Review status: criteria provided, single submitter. Criteria: Invitae Variant Classification Sherloc (09022015). Collection method: clinical testing. Allele origin: germline.
Comment: This sequence change replaces threonine, which is neutral and polar, with alanine, which is neutral and non-polar, at codon 280 of the AP5Z1 protein (p.Thr280Ala). This variant is present in population databases (no rsID available, gnomAD 0.2%). This variant has not been reported in the literature in individuals affected with AP5Z1-related conditions. ClinVar contains an entry for this variant (Variation ID: 652827). Invitae Evidence Modeling of protein sequence and biophysical properties (such as structural, functional, and spatial information, amino acid conservation, physicochemical variation, residue mobility, and thermodynamic stability) indicates that this missense variant is not expected to disrupt AP5Z1 protein function with a negative predictive value of 80%. In summary, the available evidence is currently insufficient to determine the role of this variant in disease. Therefore, it has been classified as a Variant of Uncertain Significance.

Ambry Genetics
Classification: Likely benign for Inborn genetic diseases. Last evaluated: 2022-07-12. Review status: criteria provided, single submitter. Criteria: Ambry Variant Classification Scheme 2023. Collection method: clinical testing. Allele origin: germline.